The following is an entry in ClinVar:

NM_138959.3(VANGL1):c.*922C>T

Gene: VANGL1 (VANGL planar cell polarity protein 1; plus strand). Cytogenetic location: 1p13.1.
Variant type: single nucleotide variant.
Coding change: c.*922C>T on transcript NM_138959.3 (MANE Select); 922 bases downstream of the stop codon, C replaced by T.
Molecular consequence: 3 prime UTR variant.
Genome position (GRCh38, 1-based): chr1:115,692,301, C>T. VCF-style: chr1-115692301-C-T. GRCh37 (hg19) VCF-style: chr1-116234922-C-T.
Other names: c.*922C>T (NM_001172411.2, NM_001172412.2).
Identifiers: ClinVar variation 873746 (VCV000873746.4), dbSNP rs142123586, ClinGen allele CA29597702.

ClinVar aggregate classification (germline): Conflicting classifications of pathogenicity. Review status: criteria provided, conflicting classifications (1 of 4 stars). 2 submissions from 1 submitter: Uncertain significance (1); Benign (1). Last evaluated 2018-01-12.

Conditions:
Sacral defect with anterior meningocele. Identifiers: MedGen C1838568, OMIM 600145.
Neural tube defect (NTD). Also called: Neural tube defects. Identifiers: Orphanet 3388, Orphanet 823, MedGen C0027794, MONDO:0018075, HP:0045005.

Allele frequency attached by ClinVar (database versions not stated): TOPMed 0.00053; gnomAD 0.00170 and 0.00190; 1000 Genomes Project 30x 0.00187; 1000 Genomes Project 0.00200; gnomAD exomes 0.00992.
gnomAD v4.1: 290 of 152,872 alleles (0.19%); highest among the groups gnomAD compares: East Asian, 1.3%; 2 homozygotes.

Submissions (2):

Illumina Laboratory Services, Illumina
Classification: Uncertain significance for Neural tube defects, susceptibility to. Last evaluated: 2018-01-12. Review status: criteria provided, single submitter. Criteria: ICSL Variant Classification Criteria 13 December 2019. Collection method: clinical testing. Allele origin: germline.

Illumina Laboratory Services, Illumina
Classification: Benign for Sacral defect with anterior meningocele. Last evaluated: 2018-01-12. Review status: criteria provided, single submitter. Criteria: ICSL Variant Classification Criteria 13 December 2019. Collection method: clinical testing. Allele origin: germline.
Comment: This variant was observed in the ICSL laboratory as part of a predisposition screen in an ostensibly healthy population. It had not been previously curated by ICSL or reported in the Human Gene Mutation Database (HGMD: prior to June 1st, 2018), and was therefore a candidate for classification through an automated scoring system. Utilizing variant allele frequency, disease prevalence and penetrance estimates, and inheritance mode, an automated score was calculated to assess if this variant is too frequent to cause the disease. Based on the score and internal cut-off values, a variant classified as benign is not then subjected to further curation. The score for this variant resulted in a classification of benign for this disease.